The following is an entry in ClinVar:

NM_020117.11(LARS1):c.7-160G>C

Gene: LARS1 (leucyl-tRNA synthetase 1; minus strand). Cytogenetic location: 5q32.
Variant type: single nucleotide variant.
Coding change: c.7-160G>C on transcript NM_020117.11 (MANE Select); 160 bases into the intron before coding-DNA position 7, G replaced by C.
Molecular consequence: intron variant.
Genome position (GRCh38, 1-based): chr5:146,177,825, C>G on the plus strand (G>C on the coding strand, the complement: LARS1 is on the minus strand). VCF-style: chr5-146177825-C-G. GRCh37 (hg19) VCF-style: chr5-145557388-C-G.
Other names: c.-38+4663G>C (NM_001317965.2); c.7-160G>C (NM_016460.4, NM_001317964.2).
Identifiers: ClinVar variation 669985 (VCV000669985.1), dbSNP rs11949351, ClinGen allele CA128871877.

ClinVar aggregate classification (germline): Benign (1 of 4 stars; one submission).

Allele frequency attached by ClinVar (database versions not stated): 1000 Genomes Project 30x 0.18036; 1000 Genomes Project 0.18151; TOPMed 0.22141; gnomAD 0.22155 and 0.22252.
gnomAD v4.1: 33,882 of 152,022 alleles (22%); highest among the groups gnomAD compares: Admixed American, 34%; 4,834 homozygotes.

Submission:

GeneDx
Classification: Benign. Last evaluated: 2018-06-14. Review status: criteria provided, single submitter. Criteria: GeneDx Variant Classification (06012015). Collection method: clinical testing. Allele origin: germline. Affected: yes.
Comment: This variant is considered likely benign or benign based on one or more of the following criteria: it is a conservative change, it occurs at a poorly conserved position in the protein, it is predicted to be benign by multiple in silico algorithms, and/or has population frequency not consistent with disease.